The following is an entry in ClinVar:

NM_001040108.2(MLH3):c.3962C>A (p.Ser1321Tyr)

Gene: MLH3 (mutL homolog 3; minus strand). Cytogenetic location: 14q24.3.
Variant type: single nucleotide variant.
Coding change: c.3962C>A on transcript NM_001040108.2 (MANE Select); coding-DNA position 3962, C replaced by A.
Protein change: p.Ser1321Tyr; replaces serine 1321 with tyrosine.
Molecular consequence: missense variant.
Genome position (GRCh38, 1-based): chr14:75,030,568, G>T on the plus strand (C>A on the coding strand, the complement: MLH3 is on the minus strand). VCF-style: chr14-75030568-G-T. GRCh37 (hg19) VCF-style: chr14-75497271-G-T.
Other names: c.3890C>A, p.Ser1297Tyr (NM_014381.3); short protein forms S1297Y, S1321Y.
Identifiers: ClinVar variation 1736529 (VCV001736529.2), dbSNP rs2503116670, ClinGen allele CA390422510.

ClinVar aggregate classification (germline): Uncertain significance (1 of 4 stars; one submission).

Submission:

Ambry Genetics
Classification: Uncertain significance. Last evaluated: 2021-12-11. Review status: criteria provided, single submitter. Criteria: Ambry Variant Classification Scheme 2023. Collection method: clinical testing. Allele origin: germline.
Comment: The p.S1321Y variant (also known as c.3962C>A), located in coding exon 8 of the MLH3 gene, results from a C to A substitution at nucleotide position 3962. The serine at codon 1321 is replaced by tyrosine, an amino acid with dissimilar properties. This amino acid position is conserved. In addition, the in silico prediction for this alteration is inconclusive. Since supporting evidence is limited at this time, the clinical significance of this alteration remains unclear.